The following is an entry in ClinVar:

ClinVar aggregate classification (germline): Likely pathogenic (1 of 4 stars; one submission).

Submission:

GeneDx
Classification: Likely pathogenic. Last evaluated: 2025-04-11. Review status: criteria provided, single submitter. Criteria: GeneDx Variant Classification Process June 2021. Collection method: clinical testing. Allele origin: germline. Affected: yes.
Comment: In silico analysis supports that this missense variant has a deleterious effect on protein structure/function; Not observed at significant frequency in large population cohorts (gnomAD); This variant is associated with the following publications: (PMID: 25525159, 28520207, 11168522)

NM_000129.4(F13A1):c.1064T>C (p.Leu355Pro)

Gene: F13A1 (coagulation factor XIII A chain; minus strand). Cytogenetic location: 6p25.1.
Variant type: single nucleotide variant.
Coding change: c.1064T>C on transcript NM_000129.4 (MANE Select); coding-DNA position 1064, T replaced by C.
Protein change: p.Leu355Pro; replaces leucine 355 with proline.
Molecular consequence: missense variant.
Genome position (GRCh38, 1-based): chr6:6,222,081, A>G on the plus strand (T>C on the coding strand, the complement: F13A1 is on the minus strand). VCF-style: chr6-6222081-A-G. GRCh37 (hg19) VCF-style: chr6-6222314-A-G.
Other names: short protein forms L355P.
Identifiers: ClinVar variation 4282351 (VCV004282351.1).